The following is an entry in ClinVar:

NM_172107.4(KCNQ2):c.2561G>T (p.Arg854Leu)

Gene: KCNQ2 (potassium voltage-gated channel subfamily Q member 2; minus strand). Cytogenetic location: 20q13.33.
Variant type: single nucleotide variant.
Coding change: c.2561G>T on transcript NM_172107.4 (MANE Select); coding-DNA position 2561, G replaced by T.
Protein change: p.Arg854Leu; replaces arginine 854 with leucine.
Molecular consequence: missense variant.
Genome position (GRCh38, 1-based): chr20:63,406,702, C>A on the plus strand (G>T on the coding strand, the complement: KCNQ2 is on the minus strand). VCF-style: chr20-63406702-C-A. GRCh37 (hg19) VCF-style: chr20-62038055-C-A.
Other names: c.2615G>T, p.Arg872Leu (NM_001382235.1); c.2477G>T, p.Arg826Leu (NM_004518.6); c.2507G>T, p.Arg836Leu (NM_172106.3); c.2468G>T, p.Arg823Leu (NM_172108.5); short protein forms R836L, R854L, R826L, R872L, R823L.
Identifiers: ClinVar variation 1412675 (VCV001412675.9), dbSNP rs1238249590, ClinGen allele CA409636540.

ClinVar aggregate classification (germline): Uncertain significance. Review status: criteria provided, multiple submitters, no conflicts (2 of 4 stars). 2 submissions from 2 submitters: Uncertain significance (2). Last evaluated 2025-05-18.

Conditions:
Early-infantile DEE. Also called: Early infantile epileptic encephalopathy with suppression bursts; Ohtahara syndrome; Early infantile epileptic encephalopathy. Identifiers: Orphanet 1934, MedGen C0393706, MONDO:0800491.

gnomAD v4.1: 2 of 1,607,254 alleles (0.00012%); highest among the groups gnomAD compares: Non-Finnish European, 0.000085%; no homozygotes.

Submissions (2):

Dasa
Classification: Uncertain significance. Last evaluated: 2025-05-18. Review status: criteria provided, single submitter. Criteria: DASA Assertion Criteria. Collection method: clinical testing. Allele origin: germline.
Comment: NM_172107.4(KCNQ2):c.2561G>T (p.Arg854Leu) is a missense variant that results in the substitution of arginine with leucine. This variant is rare in population databases. Computational prediction algorithms are consistent with a benign effect. The currently available literature and clinical evidence are not sufficient to establish a definitive association between this variant and the reported condition. Therefore, this variant is classified as a variant of uncertain significance.

Labcorp Genetics (formerly Invitae), Labcorp
Classification: Uncertain significance for Early-infantile DEE. Last evaluated: 2025-04-14. Review status: criteria provided, single submitter. Criteria: Invitae Variant Classification Sherloc (09022015). Collection method: clinical testing. Allele origin: germline.
Comment: This sequence change replaces arginine, which is basic and polar, with leucine, which is neutral and non-polar, at codon 854 of the KCNQ2 protein (p.Arg854Leu). This variant is not present in population databases (gnomAD no frequency). This variant has not been reported in the literature in individuals affected with KCNQ2-related conditions. ClinVar contains an entry for this variant (Variation ID: 1412675). Invitae Evidence Modeling of protein sequence and biophysical properties (such as structural, functional, and spatial information, amino acid conservation, physicochemical variation, residue mobility, and thermodynamic stability) indicates that this missense variant is not expected to disrupt KCNQ2 protein function with a negative predictive value of 95%. In summary, the available evidence is currently insufficient to determine the role of this variant in disease. Therefore, it has been classified as a Variant of Uncertain Significance.